The following is an entry in ClinVar:

NM_002941.4(ROBO1):c.3643C>T (p.Pro1215Ser)

Gene: ROBO1 (roundabout guidance receptor 1; minus strand). Cytogenetic location: 3p12.3.
Variant type: single nucleotide variant.
Coding change: c.3643C>T on transcript NM_002941.4 (MANE Select); coding-DNA position 3643, C replaced by T.
Protein change: p.Pro1215Ser; replaces proline 1215 with serine.
Molecular consequence: missense variant.
Genome position (GRCh38, 1-based): chr3:78,627,553, G>A on the plus strand (C>T on the coding strand, the complement: ROBO1 is on the minus strand). VCF-style: chr3-78627553-G-A. GRCh37 (hg19) VCF-style: chr3-78676703-G-A.
Other names: c.3508C>T, p.Pro1170Ser (NM_001145844.1, NM_133631.4); c.3343C>T, p.Pro1115Ser (NM_001145845.2); short protein forms P1170S, P1215S, P1115S.
Identifiers: ClinVar variation 2877039 (VCV002877039.3), dbSNP rs770906589, ClinGen allele CA2498298.

ClinVar aggregate classification (germline): Uncertain significance (1 of 4 stars; one submission).

Allele frequency attached by ClinVar (database versions not stated): ExAC 0.00001; TOPMed 0.00002; gnomAD 0.00003.
gnomAD v4.1: 11 of 1,611,928 alleles (0.00068%); highest among the groups gnomAD compares: African/African-American, 0.011%; no homozygotes.

Submission:

Labcorp Genetics (formerly Invitae), Labcorp
Classification: Uncertain significance. Last evaluated: 2022-12-31. Review status: criteria provided, single submitter. Criteria: Invitae Variant Classification Sherloc (09022015). Collection method: clinical testing. Allele origin: germline.
Comment: In summary, the available evidence is currently insufficient to determine the role of this variant in disease. Therefore, it has been classified as a Variant of Uncertain Significance. Advanced modeling of protein sequence and biophysical properties (such as structural, functional, and spatial information, amino acid conservation, physicochemical variation, residue mobility, and thermodynamic stability) performed at Invitae indicates that this missense variant is not expected to disrupt ROBO1 protein function. This variant has not been reported in the literature in individuals affected with ROBO1-related conditions. The frequency data for this variant in the population databases is considered unreliable, as metrics indicate poor data quality at this position in the gnomAD database. This sequence change replaces proline, which is neutral and non-polar, with serine, which is neutral and polar, at codon 1215 of the ROBO1 protein (p.Pro1215Ser).